The following is an entry in ClinVar:

ClinVar aggregate classification (germline): Uncertain significance (1 of 4 stars; one submission).

Allele frequency attached by ClinVar (database versions not stated): ExAC 0.00001.

Submission:

Labcorp Genetics (formerly Invitae), Labcorp
Classification: Uncertain significance. Last evaluated: 2023-12-25. Review status: criteria provided, single submitter. Criteria: Invitae Variant Classification Sherloc (09022015). Collection method: clinical testing. Allele origin: germline.
Comment: This sequence change replaces valine, which is neutral and non-polar, with isoleucine, which is neutral and non-polar, at codon 248 of the RNLS protein (p.Val248Ile). This variant is present in population databases (rs770105314, gnomAD 0.0009%). This variant has not been reported in the literature in individuals affected with RNLS-related conditions. An algorithm developed to predict the effect of missense changes on protein structure and function (PolyPhen-2) suggests that this variant is likely to be disruptive. In summary, the available evidence is currently insufficient to determine the role of this variant in disease. Therefore, it has been classified as a Variant of Uncertain Significance.

NM_001031709.3(RNLS):c.742G>A (p.Val248Ile)

Gene: RNLS (renalase, FAD dependent amine oxidase; minus strand). Cytogenetic location: 10q23.31.
Variant type: single nucleotide variant.
Coding change: c.742G>A on transcript NM_001031709.3 (MANE Select); coding-DNA position 742, G replaced by A.
Protein change: p.Val248Ile; replaces valine 248 with isoleucine.
Molecular consequence: missense variant.
Genome position (GRCh38, 1-based): chr10:88,314,600, C>T on the plus strand (G>A on the coding strand, the complement: RNLS is on the minus strand). VCF-style: chr10-88314600-C-T. GRCh37 (hg19) VCF-style: chr10-90074357-C-T.
Other names: c.742G>A, p.Val248Ile (NM_018363.4); short protein forms V248I.
Identifiers: ClinVar variation 2786553 (VCV002786553.3), dbSNP rs770105314, ClinGen allele CA5590372.